The following is an entry in ClinVar:

ClinVar aggregate classification (germline): Uncertain significance (1 of 4 stars; one submission).

Submission:

ISCA site 4
Classification: Uncertain significance. Last evaluated: 2011-08-12. Review status: criteria provided, single submitter. Criteria: Kaminsky et al. (Genet Med. 2011). Collection method: clinical testing. Allele origin: maternal. Affected: yes. Observed: 1 variant allele.
Comment: Copy number variation identified through the course of routine clinical cytogenomic testing in postnatal populations. Clinical assertions have been curated as described in Kaminsky et al. 2011.

GRCh38/hg38 Xq28(chrX:155678751-155951918)x0

Genes: SPRY3 (sprouty RTK signaling antagonist 3; plus strand), VAMP7 (vesicle associated membrane protein 7; plus strand), LOC107522039 (meiotic recombination hotspot PAR2; plus strand), LOC107838685 (meiotic recombination hotspot PAR2A; plus strand). Cytogenetic location: Xq28.
Variant type: copy number loss.
Change: copy number 0 of chrX:155,678,751-155,951,918 (273.2 kb, GRCh38 coordinates, 1-based), cytogenetic band Xq28.
Identifiers: ClinVar variation 57381 (VCV000057381.2).